The following is an entry in ClinVar:

ClinVar aggregate classification (germline): Likely benign. Review status: criteria provided, multiple submitters, no conflicts (2 of 4 stars). 2 submissions from 2 submitters: Likely benign (2). Last evaluated 2024-10-21.

Conditions:
Methylcobalamin deficiency type cblG (HMAG). Also called: Functional methionine synthase deficiency type cblG; HOMOCYSTINURIA-MEGALOBLASTIC ANEMIA, cblG COMPLEMENTATION TYPE; HOMOCYSTINURIA-MEGALOBLASTIC ANEMIA, cblG TYPE; HOMOCYSTINURIA-MEGALOBLASTIC ANEMIA DUE TO DEFECT IN COBALAMIN METABOLISM, cblG COMPLEMENTATION TYPE. Identifiers: Orphanet 2170, Orphanet 622, MedGen C1855128, MONDO:0009609, OMIM 250940.

Submissions (2):

Labcorp Genetics (formerly Invitae), Labcorp
Classification: Likely benign for Methylcobalamin deficiency type cblG. Last evaluated: 2024-10-21. Review status: criteria provided, single submitter. Criteria: Invitae Variant Classification Sherloc (09022015). Collection method: clinical testing. Allele origin: germline.

GeneDx
Classification: Likely benign. Last evaluated: 2017-04-18. Review status: criteria provided, single submitter. Criteria: GeneDx Variant Classification (06012015). Collection method: clinical testing. Allele origin: germline. Affected: yes.
Comment: This variant is considered likely benign or benign based on one or more of the following criteria: it is a conservative change, it occurs at a poorly conserved position in the protein, it is predicted to be benign by multiple in silico algorithms, and/or has population frequency not consistent with disease.

NM_000254.3(MTR):c.409+15_409+17del

Gene: MTR (5-methyltetrahydrofolate-homocysteine methyltransferase; plus strand). Cytogenetic location: 1q43.
Variant type: Microsatellite.
Coding change: c.409+15_409+17del on transcript NM_000254.3 (MANE Select); bases 15 to 17 of the intron after coding-DNA position 409, 3 bases deleted (TCT; older notation c.409+15_409+17delTCT).
Molecular consequence: intron variant.
Genome position (GRCh38, 1-based): chr1:236,808,788-236,808,790, TCT deleted; deleting any 3 consecutive bases within chr1:236,808,784-236,808,790 gives the same sequence; the c. name uses the placement nearest the transcript's 3' end. VCF-style (leftmost placement, unchanged base first): chr1-236808783-GTTC-G. GRCh37 (hg19) VCF-style: chr1-236972083-GTTC-G.
Other names: c.409+15_409+17delTCT (NM_000254.2); c.409+15_409+17del (NM_001291939.1); c.-700+15_-700+17del (NM_001291940.2).
Identifiers: ClinVar variation 508847 (VCV000508847.4), dbSNP rs750828089, ClinGen allele CA1473723.